The following is an entry in ClinVar:

ClinVar aggregate classification (germline): Uncertain significance (1 of 4 stars; one submission).

Submission:

Labcorp Genetics (formerly Invitae), Labcorp
Classification: Uncertain significance. Last evaluated: 2024-12-02. Review status: criteria provided, single submitter. Criteria: Invitae Variant Classification Sherloc (09022015). Collection method: clinical testing. Allele origin: germline.
Comment: This sequence change replaces serine, which is neutral and polar, with cysteine, which is neutral and slightly polar, at codon 268 of the TYRP1 protein (p.Ser268Cys). This variant is not present in population databases (gnomAD no frequency). This variant has not been reported in the literature in individuals affected with TYRP1-related conditions. ClinVar contains an entry for this variant (Variation ID: 2064196). Invitae Evidence Modeling of protein sequence and biophysical properties (such as structural, functional, and spatial information, amino acid conservation, physicochemical variation, residue mobility, and thermodynamic stability) indicates that this missense variant is not expected to disrupt TYRP1 protein function with a negative predictive value of 80%. In summary, the available evidence is currently insufficient to determine the role of this variant in disease. Therefore, it has been classified as a Variant of Uncertain Significance.

NM_000550.3(TYRP1):c.803C>G (p.Ser268Cys)

Gene: TYRP1 (tyrosinase related protein 1; plus strand). Cytogenetic location: 9p23.
Variant type: single nucleotide variant.
Coding change: c.803C>G on transcript NM_000550.3 (MANE Select); coding-DNA position 803, C replaced by G.
Protein change: p.Ser268Cys; replaces serine 268 with cysteine.
Molecular consequence: missense variant.
Genome position (GRCh38, 1-based): chr9:12,698,545, C>G. VCF-style: chr9-12698545-C-G. GRCh37 (hg19) VCF-style: chr9-12698545-C-G.
Other names: short protein forms S268C.
Identifiers: ClinVar variation 2064196 (VCV002064196.3), dbSNP rs1487607248, ClinGen allele CA372939679.